The following is an entry in ClinVar:

NM_015662.3(IFT172):c.275T>C (p.Val92Ala)

Gene: IFT172 (intraflagellar transport 172; minus strand). Cytogenetic location: 2p23.3.
Variant type: single nucleotide variant.
Coding change: c.275T>C on transcript NM_015662.3 (MANE Select); coding-DNA position 275, T replaced by C.
Protein change: p.Val92Ala; replaces valine 92 with alanine.
Molecular consequence: missense variant.
Genome position (GRCh38, 1-based): chr2:27,485,039, A>G on the plus strand (T>C on the coding strand, the complement: IFT172 is on the minus strand). VCF-style: chr2-27485039-A-G. GRCh37 (hg19) VCF-style: chr2-27707906-A-G.
Other names: short protein forms V92A.
Identifiers: ClinVar variation 1402814 (VCV001402814.8), dbSNP rs1306568500, ClinGen allele CA346402354.

ClinVar aggregate classification (germline): Uncertain significance (1 of 4 stars; one submission).

Conditions:
Retinitis pigmentosa 71 (RP71). Identifiers: Orphanet 791, MedGen C4225342, MONDO:0014618, OMIM 616394.
Short-rib thoracic dysplasia 10 with or without polydactyly (SRTD10). Identifiers: Orphanet 474, MedGen C3810175, MONDO:0014284, OMIM 615630.

Allele frequency attached by ClinVar (database versions not stated): gnomAD exomes below 0.00001; gnomAD 0.00001.

Submission:

Labcorp Genetics (formerly Invitae), Labcorp
Classification: Uncertain significance for Retinitis pigmentosa 71; Short-rib thoracic dysplasia 10 with or without polydactyly. Last evaluated: 2021-01-09. Review status: criteria provided, single submitter. Criteria: Invitae Variant Classification Sherloc (09022015). Collection method: clinical testing. Allele origin: germline.
Comment: In summary, the available evidence is currently insufficient to determine the role of this variant in disease. Therefore, it has been classified as a Variant of Uncertain Significance. Algorithms developed to predict the effect of missense changes on protein structure and function are either unavailable or do not agree on the potential impact of this missense change (SIFT: "Deleterious"; PolyPhen-2: "Probably Damaging"; Align-GVGD: "Class C0"). This variant has not been reported in the literature in individuals with IFT172-related conditions. This variant is not present in population databases (ExAC no frequency). This sequence change replaces valine with alanine at codon 92 of the IFT172 protein (p.Val92Ala). The valine residue is moderately conserved and there is a small physicochemical difference between valine and alanine.